The following is an entry in ClinVar:

NM_001012301.4(ARSI):c.1571C>T (p.Ala524Val)

Gene: ARSI (arylsulfatase family member I; minus strand). Cytogenetic location: 5q32.
Variant type: single nucleotide variant.
Coding change: c.1571C>T on transcript NM_001012301.4 (MANE Select); coding-DNA position 1571, C replaced by T.
Protein change: p.Ala524Val; replaces alanine 524 with valine.
Molecular consequence: missense variant.
Genome position (GRCh38, 1-based): chr5:150,297,353, G>A on the plus strand (C>T on the coding strand, the complement: ARSI is on the minus strand). VCF-style: chr5-150297353-G-A. GRCh37 (hg19) VCF-style: chr5-149676916-G-A.
Other names: short protein forms A524V.
Identifiers: ClinVar variation 2749605 (VCV002749605.3), dbSNP rs763333882, ClinGen allele CA3510049.

ClinVar aggregate classification (germline): Uncertain significance (1 of 4 stars; one submission).

Conditions:
Spastic paraplegia. Identifiers: MedGen C0037772, HP:0001258.

Allele frequency attached by ClinVar (database versions not stated): gnomAD 0.00001; ExAC 0.00002; gnomAD exomes 0.00002; TOPMed 0.00002.

Submission:

Labcorp Genetics (formerly Invitae), Labcorp
Classification: Uncertain significance for Spastic paraplegia. Last evaluated: 2024-01-30. Review status: criteria provided, single submitter. Criteria: Invitae Variant Classification Sherloc (09022015). Collection method: clinical testing. Allele origin: germline.
Comment: This sequence change replaces alanine, which is neutral and non-polar, with valine, which is neutral and non-polar, at codon 524 of the ARSI protein (p.Ala524Val). This variant is present in population databases (rs763333882, gnomAD 0.03%). This variant has not been reported in the literature in individuals affected with ARSI-related conditions. Algorithms developed to predict the effect of missense changes on protein structure and function output the following: SIFT: "Not Available"; PolyPhen-2: "Benign"; Align-GVGD: "Not Available". The valine amino acid residue is found in multiple mammalian species, which suggests that this missense change does not adversely affect protein function. In summary, the available evidence is currently insufficient to determine the role of this variant in disease. Therefore, it has been classified as a Variant of Uncertain Significance.